The following is an entry in ClinVar:

ClinVar aggregate classification (germline): Likely pathogenic (1 of 4 stars; one submission).

Conditions:
KCNJ4-Related Neurodevelopmental Disorder.

gnomAD v4.1: 2 of 1,611,960 alleles (0.00012%); highest among the groups gnomAD compares: Non-Finnish European, 0.00017%; no homozygotes.

Submission:

Neurogenetic Laboratory, Second Faculty of Medicine, Charles University
Classification: Likely pathogenic for KCNJ4-Related Neurodevelopmental Disorder. Last evaluated: 2026-08-31. Review status: criteria provided, single submitter. Criteria: ACMG Guidelines, 2015. Collection method: research. Allele origin: de novo. Affected: yes.
Comment: NM_152868.3:c.614G>A, p.(Arg205His) is a missense variant located in exon 2 (coding exon 1) of the KCNJ4 gene. This alteration results from a G to A substitution at nucleotide position 614, causing the arginine (R) at amino acid position 205 to be replaced by a histidine (H). Multiple lines of evidence support a deleterious effect on the gene product (PP3_Supporting; conservation, evolutionary, splicing, etc.). To our knowledge, no experimental evidence demonstrating an impact on protein function has been reported. The variant has been identified as a de novo occurrence with confirmation of paternity and maternity (PS2_Strong). This variant is present in gnomAD with frequency of 2 alleles (PM2_Moderate; version 4.1.0). In summary, this variant meets criteria to be classified as likely pathogenic based on ACMG criteria applied (Richards et al. Genet Med 2015;17(5):405-24).

NM_152868.3(KCNJ4):c.614G>A (p.Arg205His)

Gene: KCNJ4 (potassium inwardly rectifying channel subfamily J member 4; minus strand). Cytogenetic location: 22q13.1.
Variant type: single nucleotide variant.
Coding change: c.614G>A on transcript NM_152868.3 (MANE Select); coding-DNA position 614, G replaced by A.
Protein change: p.Arg205His; replaces arginine 205 with histidine.
Molecular consequence: missense variant.
Genome position (GRCh38, 1-based): chr22:38,427,519, C>T on the plus strand (G>A on the coding strand, the complement: KCNJ4 is on the minus strand). VCF-style: chr22-38427519-C-T. GRCh37 (hg19) VCF-style: chr22-38823524-C-T.
Other names: c.614G>A, p.Arg205His (NM_004981.2); short protein forms R205H.
Identifiers: ClinVar variation 4974500 (VCV004974500.1).